The following is an entry in ClinVar:

NM_152383.5(DIS3L2):c.2605G>A (p.Glu869Lys)

Gene: DIS3L2 (DIS3 like 3'-5' exoribonuclease 2; plus strand). Cytogenetic location: 2q37.1.
Variant type: single nucleotide variant.
Coding change: c.2605G>A on transcript NM_152383.5 (MANE Select); coding-DNA position 2605, G replaced by A.
Protein change: p.Glu869Lys; replaces glutamic acid 869 with lysine.
Molecular consequence: missense variant. On other transcripts: non-coding transcript variant (2), intron variant (1).
Genome position (GRCh38, 1-based): chr2:232,336,577, G>A. VCF-style: chr2-232336577-G-A. GRCh37 (hg19) VCF-style: chr2-233201287-G-A.
Other names: c.1582-6768G>A (NM_001257281.2); short protein forms E869K.
Identifiers: ClinVar variation 410771 (VCV000410771.7), dbSNP rs369664231, ClinGen allele CA2164628.

ClinVar aggregate classification (germline): Uncertain significance. Review status: criteria provided, multiple submitters, no conflicts (2 of 4 stars). 2 submissions from 2 submitters: Uncertain significance (2). Last evaluated 2025-08-20.

Conditions:
Perlman syndrome (PRLMNS). Identifiers: Orphanet 2849, MedGen C0796113, MONDO:0009965, OMIM 267000.
Inborn genetic diseases. Identifiers: MedGen C0950123, MeSH D030342.

Allele frequency attached by ClinVar (database versions not stated): gnomAD 0.00001; gnomAD exomes 0.00001; TOPMed 0.00001; ExAC 0.00002; ESP Exome Variant Server 0.00008.
gnomAD v4.1: 8 of 1,608,866 alleles (0.0005%); highest among the groups gnomAD compares: Non-Finnish European, 0.00068%; no homozygotes.

Submissions (2):

Ambry Genetics
Classification: Uncertain significance for Inborn genetic diseases. Last evaluated: 2025-08-20. Review status: criteria provided, single submitter. Criteria: Ambry Variant Classification Scheme 2023. Collection method: clinical testing. Allele origin: germline.

Labcorp Genetics (formerly Invitae), Labcorp
Classification: Uncertain significance for Perlman syndrome. Last evaluated: 2023-10-14. Review status: criteria provided, single submitter. Criteria: Invitae Variant Classification Sherloc (09022015). Collection method: clinical testing. Allele origin: germline.
Comment: This sequence change replaces glutamic acid, which is acidic and polar, with lysine, which is basic and polar, at codon 869 of the DIS3L2 protein (p.Glu869Lys). This variant is present in population databases (rs369664231, gnomAD 0.003%). This variant has not been reported in the literature in individuals affected with DIS3L2-related conditions. ClinVar contains an entry for this variant (Variation ID: 410771). Experimental studies and prediction algorithms are not available or were not evaluated, and the functional significance of this variant is currently unknown. In summary, the available evidence is currently insufficient to determine the role of this variant in disease. Therefore, it has been classified as a Variant of Uncertain Significance.